The following continues an entry in ClinVar:

NM_000059.3(BRCA2):c.2808_2811del (p.Ala938Profs)

Gene: BRCA2. ClinVar aggregate classification (germline): Pathogenic. Pathogenic (1).

Submissions 58 to 70 of 70:

Center of Medical Genetics and Primary Health Care
Classification: Pathogenic for Familial breast cancer. Last evaluated: 2020-04-08. Review status: no assertion criteria provided. Collection method: research. Allele origin: germline. Affected: yes. Observed: 2 variant alleles, 2 heterozygotes. Not counted in ClinVar's aggregate classification.
Comment: ACMG Guidelines 2015 criteria The BRCA2 variant p.Ala938Profs is a known pathogenic variant in exon 11in a non-functional domain and in a mutation hotspot region of 23 pathogenic variants (PM1 Pathogenic Moderate). This frameshift variant truncates the protein domains after this residue which is an established disease mechanism in hereditary breast and ovarian cancer (PVS1 Pathogenic Very Strong). The allele frequency in GnomAD exomes is 0.00000797 which is less the threshold 0.0001 for recessive gene BRCA2, and this variant is not found in GnomAD genomes (PM2 Pathogenic Moderate). 1 pathogenic prediction from GERP versus no benign predictions supports its deleterious effect (PP3 Pathogenic Supporting). The variant has been classified as pathogenic by the ClinGen-approved ENIGMA expert panel (ClinVar SCV000282373.1) (PP5 Pathogenic Supporting). Therefore, this variant was classified as a Pathogenic.

CZECANCA consortium
Classification: Pathogenic for Breast and/or ovarian cancer. Last evaluated: 2019-06-11. Review status: no assertion criteria provided. Collection method: clinical testing. Allele origin: germline. Affected: yes. Observed: 3 variant alleles. Not counted in ClinVar's aggregate classification.

Foulkes Cancer Genetics LDI, Lady Davis Institute for Medical Research
Classification: Pathogenic for Breast and/or ovarian cancer. Last evaluated: 2016-03-29. Review status: no assertion criteria provided. Collection method: clinical testing. Allele origin: germline. Study: The Canadian Open Genetics Repository (COGR). Not counted in ClinVar's aggregate classification.

Institute of Human Genetics, Medical University Innsbruck
Classification: Pathogenic for Breast-ovarian cancer, familial 2. Last evaluated: 2015-02-11. Review status: no assertion criteria provided. Criteria: clinical testing. Collection method: clinical testing. Allele origin: germline. Affected: yes. Study: BRCA-Tyrol. Not counted in ClinVar's aggregate classification.
Comment: BRCA-mutation spectrum Western Austria

Counsyl
Classification: Pathogenic for Breast-ovarian cancer, familial 2. Last evaluated: 2014-07-04. Review status: no assertion criteria provided. Collection method: literature only. Allele origin: unknown. Inheritance: Autosomal dominant inheritance. Not counted in ClinVar's aggregate classification.

Research Molecular Genetics Laboratory, Women's College Hospital, University of Toronto
Classification: Pathogenic for Hereditary breast ovarian cancer syndrome. Last evaluated: 2014-01-31. Review status: no assertion criteria provided. Collection method: research. Allele origin: germline. Affected: yes. Study: The Canadian Open Genetics Repository (COGR). Not counted in ClinVar's aggregate classification.

Sharing Clinical Reports Project (SCRP)
Classification: Pathogenic for Breast-ovarian cancer, familial 2. Last evaluated: 2013-07-29. Review status: no assertion criteria provided. Collection method: clinical testing. Allele origin: germline. Not counted in ClinVar's aggregate classification.

Breast Cancer Information Core (BIC) (BRCA2)
Classification: Pathogenic for Breast-ovarian cancer, familial 2. Last evaluated: 2013-02-20. Review status: no assertion criteria provided. Collection method: clinical testing. Allele origin: germline, somatic, unknown. Affected: yes. Observed: 111 variant alleles. Not counted in ClinVar's aggregate classification.

OMIM
Classification: Pathogenic for BREAST-OVARIAN CANCER, FAMILIAL, SUSCEPTIBILITY TO, 2. Last evaluated: 1995-12-21. Review status: no assertion criteria provided. Collection method: literature only. Allele origin: germline. Not counted in ClinVar's aggregate classification.

Center for Precision Medicine, Meizhou People's Hospital
Classification: Pathogenic for Familial cancer of breast. Review status: no assertion criteria provided. Collection method: literature only. Allele origin: germline. Affected: yes. Not counted in ClinVar's aggregate classification.

Clinical Genetics Laboratory, Department of Pathology, Netherlands Cancer Institute
Classification: Pathogenic. Review status: no assertion criteria provided. Collection method: clinical testing. Allele origin: germline. Affected: yes. Study: VKGL Data-share Consensus. Not counted in ClinVar's aggregate classification.

Department of Pathology and Laboratory Medicine, Sinai Health System
Classification: Pathogenic for Malignant tumor of breast. Review status: no assertion criteria provided. Collection method: clinical testing. Allele origin: unknown. Affected: yes. Study: The Canadian Open Genetics Repository (COGR). Not counted in ClinVar's aggregate classification.
Comment: The BRCA2 p.Ala938Profs*21 variant was identified in 14 of 7122 proband chromosomes (frequency: 0.002) from individuals or families with breast, ovarian and prostate cancers, although it was not investigated in controls (Edwards 2010, Caux-Moncoutier 2011, Zhang 2011, van der Hout 2006). The variant was also identified in dbSNP (ID: rs80359351) "With Pathogenic allele", ClinVar (classified pathogenic and reviewed by an expert panel 2016, submitters: Invitae, Counsyl, Ambry Genetics, GeneDx and 29 other submitters), and UMD-LSDB (123X, classified as 5-causal). The variant was not identified in the following control databases: the Exome Aggregation Consortium (August 8th 2016), or the Genome Aggregation Database (Feb 27, 2017). The c.2808_2811del variant is predicted to cause a frameshift, which alters the protein's amino acid sequence beginning at codon 938 and leads to a premature stop codon 21 codons downstream. This alteration is then predicted to result in a truncated or absent protein and loss of function. Loss of function variants of the BRCA2 gene are an established mechanism of disease in hereditary breast and ovarian cancer and is the type of variant expected to cause the disorder. In summary, based on the above information this variant meets our laboratoryâ€šÃ„Ã´s criteria to be classified as pathogenic.

Diagnostic Laboratory, Department of Genetics, University Medical Center Groningen
Classification: Pathogenic for Breast-ovarian cancer, familial, susceptibility to, 2. Review status: no assertion criteria provided. Collection method: clinical testing. Allele origin: germline. Affected: yes. Study: VKGL Data-share Consensus. Not counted in ClinVar's aggregate classification.

Literature cited by the submitters: PubMed 20104584 (cited by Labcorp Genetics (formerly Invitae), Labcorp and Dasa); PubMed 9585613 (cited by 3 submitters); PubMed 12955716 (cited by 9 submitters); PubMed 21952622 (cited by 5 submitters); PubMed 23929434 (cited by 8 submitters); PubMed 22144684 (cited by 6 submitters); PubMed 28680148 (cited by 7 submitters); PubMed 20736950 (cited by 6 submitters); PubMed 21324516 (cited by 7 submitters); PubMed 29161300 (cited by Ambry Genetics and Quest Diagnostics Nichols Institute San Juan Capistrano); PubMed 29339979 (cited by 4 submitters); PubMed 29368341 (cited by 5 submitters); PubMed 31263571 (cited by 3 submitters); PubMed 33558524 (cited by 4 submitters); PubMed 34072659 (cited by Ambry Genetics); PubMed 28724667 (cited by GeneKor MSA and Quest Diagnostics Nichols Institute San Juan Capistrano); PubMed 32101877 (cited by 3 submitters); PubMed 34399810 (cited by 3 submitters); PubMed 24504028 (cited by 3 submitters); PubMed 25085752 (cited by Mayo Clinic Laboratories, Mayo Clinic and Quest Diagnostics Nichols Institute San Juan Capistrano); PubMed 26026974 (cited by 7 submitters); PubMed 26576347 (cited by Mayo Clinic Laboratories, Mayo Clinic and Quest Diagnostics Nichols Institute San Juan Capistrano); PubMed 29446198 (cited by Mayo Clinic Laboratories, Mayo Clinic and Sema4); PubMed 31853058 (cited by Mayo Clinic Laboratories, Mayo Clinic); PubMed 32338768 (cited by 3 submitters); PubMed 33054725 (cited by 3 submitters); PubMed 8665505 (cited by 3 submitters); PubMed 11030418 (cited by 3 submitters); PubMed 11158174 (cited by 4 submitters); PubMed 15024741 (cited by 3 submitters); PubMed 21598239 (cited by 3 submitters); PubMed 22006311 (cited by 5 submitters); PubMed 22970155 (cited by 3 submitters); PubMed 23469205 (cited by All of Us Research Program, National Institutes of Health and Color Diagnostics, LLC DBA Color Health); PubMed 25476495 (cited by 4 submitters); PubMed 27257965 (cited by 3 submitters); PubMed 28692638 (cited by 3 submitters); PubMed 30287823 (cited by All of Us Research Program, National Institutes of Health and Color Diagnostics, LLC DBA Color Health); PubMed 33471991 (cited by All of Us Research Program, National Institutes of Health and Color Diagnostics, LLC DBA Color Health); PubMed 12065746 (cited by Quest Diagnostics Nichols Institute San Juan Capistrano); PubMed 26250392 (cited by Quest Diagnostics Nichols Institute San Juan Capistrano); PubMed 26556299 (cited by Quest Diagnostics Nichols Institute San Juan Capistrano); PubMed 26689913 (cited by Quest Diagnostics Nichols Institute San Juan Capistrano); PubMed 27425403 (cited by Quest Diagnostics Nichols Institute San Juan Capistrano); PubMed 27741520 (cited by Quest Diagnostics Nichols Institute San Juan Capistrano); PubMed 28111427 (cited by Quest Diagnostics Nichols Institute San Juan Capistrano); PubMed 28195393 (cited by Quest Diagnostics Nichols Institute San Juan Capistrano); PubMed 28767289 (cited by Quest Diagnostics Nichols Institute San Juan Capistrano); PubMed 28993434 (cited by Quest Diagnostics Nichols Institute San Juan Capistrano); PubMed 29084914 (cited by Quest Diagnostics Nichols Institute San Juan Capistrano and Sema4); PubMed 29176636 (cited by Quest Diagnostics Nichols Institute San Juan Capistrano).